The following is an entry in ClinVar:

NM_001242957.3(MAK):c.421A>G (p.Ile141Val)

Gene: MAK (male germ cell associated kinase; minus strand). Cytogenetic location: 6p24.2.
Variant type: single nucleotide variant.
Coding change: c.421A>G on transcript NM_001242957.3 (MANE Select); coding-DNA position 421, A replaced by G.
Protein change: p.Ile141Val; replaces isoleucine 141 with valine.
Molecular consequence: missense variant. On other transcripts: non-coding transcript variant (2).
Genome position (GRCh38, 1-based): chr6:10,808,880, T>C on the plus strand (A>G on the coding strand, the complement: MAK is on the minus strand). VCF-style: chr6-10808880-T-C. GRCh37 (hg19) VCF-style: chr6-10809113-T-C.
Other names: c.421A>G, p.Ile141Val (NM_001242385.2, NM_005906.6); c.319A>G, p.Ile107Val (NM_001377262.1); c.421A>G (NM_005906.4); short protein forms I107V, I141V.
Identifiers: ClinVar variation 1055434 (VCV001055434.6), dbSNP rs141420368, ClinGen allele CA3633723.

ClinVar aggregate classification (germline): Uncertain significance. Review status: criteria provided, multiple submitters, no conflicts (2 of 4 stars). 2 submissions from 2 submitters: Uncertain significance (2). Last evaluated 2025-01-27.

Conditions:
Inborn genetic diseases. Identifiers: MedGen C0950123, MeSH D030342.

Allele frequency attached by ClinVar (database versions not stated): gnomAD exomes 0.00002 and 0.00003; ExAC 0.00003; ESP Exome Variant Server 0.00008; gnomAD 0.00008 and 0.00009; TOPMed 0.00008.
gnomAD v4.1: 61 of 1,613,794 alleles (0.0038%); highest among the groups gnomAD compares: African/African-American, 0.024%; no homozygotes.

Submissions (2):

Ambry Genetics
Classification: Uncertain significance for Inborn genetic diseases. Last evaluated: 2025-01-27. Review status: criteria provided, single submitter. Criteria: Ambry Variant Classification Scheme 2023. Collection method: clinical testing. Allele origin: germline.

Labcorp Genetics (formerly Invitae), Labcorp
Classification: Uncertain significance. Last evaluated: 2024-10-28. Review status: criteria provided, single submitter. Criteria: Invitae Variant Classification Sherloc (09022015). Collection method: clinical testing. Allele origin: germline.
Comment: This sequence change replaces isoleucine, which is neutral and non-polar, with valine, which is neutral and non-polar, at codon 141 of the MAK protein (p.Ile141Val). This variant is present in population databases (rs141420368, gnomAD 0.02%). This variant has not been reported in the literature in individuals affected with MAK-related conditions. ClinVar contains an entry for this variant (Variation ID: 1055434). Invitae Evidence Modeling of protein sequence and biophysical properties (such as structural, functional, and spatial information, amino acid conservation, physicochemical variation, residue mobility, and thermodynamic stability) indicates that this missense variant is not expected to disrupt MAK protein function with a negative predictive value of 80%. In summary, the available evidence is currently insufficient to determine the role of this variant in disease. Therefore, it has been classified as a Variant of Uncertain Significance.